The following is an entry in ClinVar:

NM_000059.4(BRCA2):c.8032del (p.Arg2678fs)

Gene: BRCA2 (BRCA2 DNA repair associated; plus strand). Cytogenetic location: 13q13.1.
Variant type: Deletion.
Coding change: c.8032del on transcript NM_000059.4 (MANE Select); coding-DNA position 8032, one base deleted (A; older notation c.8032delA).
Protein change: p.Arg2678fs; shifts the reading frame from arginine 2678.
Molecular consequence: frameshift variant.
Genome position (GRCh38, 1-based): chr13:32,363,234, A deleted; the last of 3 consecutive A bases (chr13:32,363,232-32,363,234); deleting any one gives the same sequence. VCF-style (leftmost placement, unchanged base first): chr13-32363231-GA-G. GRCh37 (hg19) VCF-style: chr13-32937368-GA-G.
Other names: c.8032delA (NM_000059.3); short protein forms R2678fs.
Identifiers: ClinVar variation 545872 (VCV000545872.3), dbSNP rs1555286962, ClinGen allele CA658823759.

ClinVar aggregate classification (germline): Pathogenic. Review status: criteria provided, multiple submitters, no conflicts (2 of 4 stars). 2 submissions from 2 submitters: Pathogenic (2). Last evaluated 2024-01-25.

Conditions:
Hereditary cancer-predisposing syndrome. Also called: Neoplastic Syndromes, Hereditary; Hereditary Cancer Syndrome; Tumor predisposition; Hereditary neoplastic syndrome. Identifiers: Orphanet 140162, MedGen C0027672, MeSH D009386, MONDO:0015356.

Submissions (2):

Ambry Genetics
Classification: Pathogenic for Hereditary cancer-predisposing syndrome. Last evaluated: 2024-01-25. Review status: criteria provided, single submitter. Criteria: Ambry Variant Classification Scheme 2023. Collection method: clinical testing. Allele origin: germline.
Comment: The c.8032delA pathogenic mutation, located in coding exon 17 of the BRCA2 gene, results from a deletion of one nucleotide at nucleotide position 8032, causing a translational frameshift with a predicted alternate stop codon (p.R2678Gfs*16). This variant is considered to be rare based on population cohorts in the Genome Aggregation Database (gnomAD). This alteration is expected to result in loss of function by premature protein truncation or nonsense-mediated mRNA decay. As such, this alteration is interpreted as a disease-causing mutation.

GeneDx
Classification: Pathogenic. Last evaluated: 2018-02-09. Review status: criteria provided, single submitter. Criteria: GeneDx Variant Classification (06012015). Collection method: clinical testing. Allele origin: germline. Affected: yes.
Comment: This deletion of one nucleotide in BRCA2 is denoted c.8032delA at the cDNA level and p.Arg2678GlyfsX16 (R2678GfsX16) at the protein level. The normal sequence, with the base that is deleted in brackets, is GGAA[delA]GGGA. The deletion causes a frameshift which changes an Arginine to a Glycine at codon 2678, and creates a premature stop codon at position 16 of the new reading frame. Although this variant has not, to our knowledge, been reported in the literature, it is predicted to cause loss of normal protein function through either protein truncation or nonsense-mediated mRNA decay. We consider this variant to be pathogenic.